The following is an entry in ClinVar:

NM_000059.4(BRCA2):c.6592G>A (p.Glu2198Lys)

Gene: BRCA2 (BRCA2 DNA repair associated; plus strand). Cytogenetic location: 13q13.1.
Variant type: single nucleotide variant.
Coding change: c.6592G>A on transcript NM_000059.4 (MANE Select); coding-DNA position 6592, G replaced by A.
Protein change: p.Glu2198Lys; replaces glutamic acid 2198 with lysine.
Molecular consequence: missense variant. On other transcripts: non-coding transcript variant (1), intron variant (2).
Genome position (GRCh38, 1-based): chr13:32,340,947, G>A. VCF-style: chr13-32340947-G-A. GRCh37 (hg19) VCF-style: chr13-32915084-G-A.
Other names: c.6592G>A, p.Glu2198Lys (NM_001406719.1, NM_001406720.1); c.1910-3611G>A (NM_001406721.1); c.425-3611G>A (NM_001406722.1); short protein forms E2198K.
Identifiers: ClinVar variation 3075839 (VCV003075839.1), dbSNP rs1555284766, ClinGen allele CA387790030.

ClinVar aggregate classification (germline): Uncertain significance (1 of 4 stars; one submission).

Submission:

Laboratory for Molecular Medicine, Mass General Brigham Personalized Medicine
Classification: Uncertain significance. Last evaluated: 2022-02-01. Review status: criteria provided, single submitter. Criteria: ACMG Guidelines, 2015. Collection method: clinical testing. Allele origin: germline.
Comment: The p.Glu2198Lys variant in BRCA2 has not been previously reported in individuals with cancer and was absent from large population studies. Computational prediction tools and conservation analyses suggest that this variant may not impact the protein, though this information is not predictive enough to rule out pathogenicity. In summary, the clinical significance of this variant is uncertain. ACMG/AMP Criteria applied: BP4, PM2_P.